The following is an entry in ClinVar:

NM_004606.5(TAF1):c.2618C>T (p.Thr873Met)

Gene: TAF1 (TATA-box binding protein associated factor 1; plus strand). Cytogenetic location: Xq13.1.
Variant type: single nucleotide variant.
Coding change: c.2618C>T on transcript NM_004606.5 (MANE Select); coding-DNA position 2618, C replaced by T.
Protein change: p.Thr873Met; replaces threonine 873 with methionine.
Molecular consequence: missense variant. On other transcripts: non-coding transcript variant (9).
Genome position (GRCh38, 1-based): chrX:71,388,786, C>T. VCF-style: chrX-71388786-C-T. GRCh37 (hg19) VCF-style: chrX-70608636-C-T.
Other names: c.2618C>T, p.Thr873Met (NM_001286074.2); c.2555C>T, p.Thr852Met (NM_138923.4); short protein forms T852M, T873M.
Identifiers: ClinVar variation 2632657 (VCV002632657.2), dbSNP rs2034390447, ClinGen allele CA413521519.

ClinVar aggregate classification (germline): Uncertain significance. Review status: criteria provided, multiple submitters, no conflicts (2 of 4 stars). 2 submissions from 2 submitters: Uncertain significance (2). Last evaluated 2024-10-01.

Conditions:
TAF1-related disorder. Also called: TAF1-related condition.

Submissions (2):

Blueprint Genetics
Classification: Uncertain significance. Last evaluated: 2024-10-01. Review status: criteria provided, single submitter. Criteria: ACMG Guidelines, 2015. Collection method: clinical testing. Allele origin: germline.

PreventionGenetics, part of Exact Sciences
Classification: Uncertain significance for TAF1-related condition. Last evaluated: 2023-07-18. Review status: criteria provided, single submitter. Criteria: ACMG Guidelines, 2015. Collection method: clinical testing. Allele origin: germline.
Comment: The TAF1 c.2678C>T variant is predicted to result in the amino acid substitution p.Thr893Met. To our knowledge, this variant has not been reported in the literature or in a large population database, indicating this variant is rare. At this time, the clinical significance of this variant is uncertain due to the absence of conclusive functional and genetic evidence.